The following is an entry in ClinVar:

ClinVar aggregate classification (germline): Uncertain significance (1 of 4 stars; one submission).

Conditions:
Ehlers-Danlos syndrome, musculocontractural type 1. Identifiers: MedGen CN295219, MONDO:0020681, OMIM 601776.

Allele frequency attached by ClinVar (database versions not stated): TOPMed below 0.00001.

Submission:

Baylor Genetics
Classification: Uncertain significance for Ehlers-Danlos syndrome, musculocontractural type 1. Last evaluated: 2018-01-24. Review status: criteria provided, single submitter. Criteria: ACMG Guidelines, 2015. Collection method: clinical testing. Allele origin: paternal. Affected: yes.
Comment: This variant was determined to be of uncertain significance according to ACMG Guidelines, 2015 [PMID:25741868].

NM_130468.4(CHST14):c.61G>A (p.Ala21Thr)

Genes: CHST14 (carbohydrate sulfotransferase 14; plus strand), LOC130056851 (ATAC-STARR-seq lymphoblastoid silent region 6336; plus strand). Cytogenetic location: 15q15.1.
Variant type: single nucleotide variant.
Coding change: c.61G>A on transcript NM_130468.4 (MANE Select); coding-DNA position 61, G replaced by A.
Protein change: p.Ala21Thr; replaces alanine 21 with threonine.
Molecular consequence: missense variant.
Genome position (GRCh38, 1-based): chr15:40,471,274, G>A. VCF-style: chr15-40471274-G-A. GRCh37 (hg19) VCF-style: chr15-40763473-G-A.
Other names: short protein forms A21T.
Identifiers: ClinVar variation 1032377 (VCV001032377.1), dbSNP rs1894339727, ClinGen allele CA391762011.